The following is an entry in ClinVar:

NM_000038.6(APC):c.645+2922A>T

Gene: APC (APC regulator of WNT signaling pathway; plus strand). Cytogenetic location: 5q22.2.
Variant type: single nucleotide variant.
Coding change: c.645+2922A>T on transcript NM_000038.6 (MANE Select); 2922 bases into the intron after coding-DNA position 645, A replaced by T.
Molecular consequence: intron variant.
Genome position (GRCh38, 1-based): chr5:112,783,825, A>T. VCF-style: chr5-112783825-A-T. GRCh37 (hg19) VCF-style: chr5-112119522-A-T.
Other names: c.645+2922A>T (NM_001354895.2, NM_001127510.3, NM_001354896.2 and 2 more transcripts); c.675+2922A>T (NM_001354897.2, NM_001354902.2, NM_001127511.3); c.570+2922A>T (NM_001354898.2, NM_001354904.2); c.-391+2922A>T (NM_001354906.2); c.468+2922A>T (NM_001354900.2, NM_001354901.2, NM_001354905.2).
Identifiers: ClinVar variation 82954 (VCV000082954.2), dbSNP rs79861387, ClinGen allele CA011331.

ClinVar aggregate classification (germline): other (0 of 4 stars; one submission).

Conditions:
Familial colorectal cancer. Identifiers: MedGen CN280943, MONDO:0023113. Disease mechanism: loss of function.

Submission:

Systems Biology Platform Zhejiang California International NanoSystems Institute
Classification: other for Familial colorectal cancer. Review status: no assertion criteria provided. Collection method: not provided. Allele origin: unknown.
ClinVar note: Converted during submission from cancer to other.